The following is an entry in ClinVar:

ClinVar aggregate classification (germline): Uncertain significance (1 of 4 stars; one submission).

Conditions:
Dilated cardiomyopathy 1DD (CMD1DD). Identifiers: Orphanet 154, MedGen C2750995, MONDO:0013168, OMIM 613172.

Allele frequency attached by ClinVar (database versions not stated): gnomAD exomes below 0.00001; TOPMed below 0.00001; gnomAD 0.00001.
gnomAD v4.1: 3 of 1,551,664 alleles (0.00019%); highest among the groups gnomAD compares: South Asian, 0.0036%; no homozygotes.

Submission:

Labcorp Genetics (formerly Invitae), Labcorp
Classification: Uncertain significance for Dilated cardiomyopathy 1DD. Last evaluated: 2023-03-15. Review status: criteria provided, single submitter. Criteria: Invitae Variant Classification Sherloc (09022015). Collection method: clinical testing. Allele origin: germline.
Comment: In summary, the available evidence is currently insufficient to determine the role of this variant in disease. Therefore, it has been classified as a Variant of Uncertain Significance. Advanced modeling of protein sequence and biophysical properties (such as structural, functional, and spatial information, amino acid conservation, physicochemical variation, residue mobility, and thermodynamic stability) performed at Invitae indicates that this missense variant is not expected to disrupt RBM20 protein function. This variant has not been reported in the literature in individuals affected with RBM20-related conditions. This variant is not present in population databases (gnomAD no frequency). This sequence change replaces lysine, which is basic and polar, with asparagine, which is neutral and polar, at codon 544 of the RBM20 protein (p.Lys544Asn).

NM_001134363.3(RBM20):c.1632G>T (p.Lys544Asn)

Gene: RBM20 (RNA binding motif protein 20; plus strand). Cytogenetic location: 10q25.2.
Variant type: single nucleotide variant.
Coding change: c.1632G>T on transcript NM_001134363.3 (MANE Select); coding-DNA position 1632, G replaced by T.
Protein change: p.Lys544Asn; replaces lysine 544 with asparagine.
Molecular consequence: missense variant.
Genome position (GRCh38, 1-based): chr10:110,797,612, G>T. VCF-style: chr10-110797612-G-T. GRCh37 (hg19) VCF-style: chr10-112557370-G-T.
Other names: short protein forms K544N.
Identifiers: ClinVar variation 3014419 (VCV003014419.3), dbSNP rs1844568184, ClinGen allele CA378390161.
Genomic context (GRCh38, chr10:110,797,612, plus strand): 5'-TCTCCCTGAAGGAAGCTGCACTGAGAATGACGTCATTAACCTGGGGCTGCCCTTTGGAAA[G>T]GTCACTAATTACATCCTCATGAAGTCGACTAATCAGGTAGGTCTGGGTACTTTCACTCCA-3'
Protein context (NP_001127835.2, residues 534-554): DVINLGLPFG[Lys544Asn]VTNYILMKST